The following is an entry in ClinVar:

NM_001273.5(CHD4):c.418GAT[6] (p.Asp144_Ser145insAsp)

Gene: CHD4 (chromodomain helicase DNA binding protein 4; minus strand). Cytogenetic location: 12p13.31.
Variant type: Microsatellite.
Coding change: c.418GAT[6] on transcript NM_001273.5 (MANE Select); six copies in a row of the 3-base unit GAT starting at c.418; the reference has five copies in a row; one copy, 3 bases duplicated.
Protein change: p.Asp144_Ser145insAsp.
Molecular consequence: inframe insertion.
Genome position (GRCh38, 1-based): chr12:6,601,966-6,601,968, ATC duplicated on the plus strand (GAT on the coding strand, the reverse complement: CHD4 is on the minus strand); duplicating any 3 consecutive bases within chr12:6,601,966-6,601,980 gives the same sequence; the position shown is the placement nearest the transcript's 3' end. VCF-style (leftmost placement, unchanged base first): chr12-6601965-A-AATC. GRCh37 (hg19) VCF-style: chr12-6711131-A-AATC.
Other names: c.397GAT[6], p.Asp137_Ser138insAsp (NM_001297553.2); c.418GAT[6], p.Asp144_Ser145insAsp (NM_001363606.2).
Identifiers: ClinVar variation 3353911 (VCV003353911.1).

ClinVar aggregate classification (germline): Uncertain significance (0 of 4 stars; one submission).

Conditions:
CHD4-related disorder. Also called: CHD4-related condition.

Submission:

PreventionGenetics, part of Exact Sciences
Classification: Uncertain significance for CHD4-related condition. Last evaluated: 2024-04-09. Review status: no assertion criteria provided. Collection method: clinical testing. Allele origin: germline.
Comment: The CHD4 c.430_432dupGAT variant is predicted to result in an in-frame duplication (p.Asp144dup). To our knowledge, this variant has not been reported in the literature. This variant is reported in 0.038% of alleles in individuals of European (Finnish) descent in gnomAD. Although we suspect, that this variant might be benign, at this time, the clinical significance of this variant is uncertain due to the absence of conclusive functional and genetic evidence.